The following is an entry in ClinVar:

ClinVar aggregate classification (germline): Pathogenic. Review status: criteria provided, single submitter (1 of 4 stars). 2 submissions from 2 submitters: Pathogenic (1). 1 of the submissions does not count toward it. Last evaluated 2021-02-14.

Conditions:
Primary hyperoxaluria, type II (HP2). Also called: D-GLYCERATE DEHYDROGENASE DEFICIENCY; GLYCERIC ACIDURIA; GLYOXYLATE REDUCTASE/HYDROXYPYRUVATE REDUCTASE DEFICIENCY; OXALOSIS II; Primary hyperoxaluria type 2. Identifiers: Orphanet 416, Orphanet 93599, MedGen C0268165, MONDO:0009824, OMIM 260000. Disease mechanism: loss of function.

Allele frequency attached by ClinVar (database versions not stated): TOPMed below 0.00001.

Submissions (2):

Labcorp Genetics (formerly Invitae), Labcorp
Classification: Pathogenic. Last evaluated: 2021-02-14. Review status: criteria provided, single submitter. Criteria: Invitae Variant Classification Sherloc (09022015). Collection method: clinical testing. Allele origin: germline.
Comment: This sequence change creates a premature translational stop signal (p.Asp252Glufs*11) in the GRHPR gene. It is expected to result in an absent or disrupted protein product. Loss-of-function variants in GRHPR are known to be pathogenic (PMID: 25644115). This variant is not present in population databases (ExAC no frequency). This variant has not been reported in the literature in individuals with GRHPR-related conditions. ClinVar contains an entry for this variant (Variation ID: 370863). For these reasons, this variant has been classified as Pathogenic.

Counsyl
Classification: Likely pathogenic for Primary hyperoxaluria, type II. Last evaluated: 2016-05-03. Review status: no assertion criteria provided. Collection method: clinical testing. Allele origin: unknown. Not counted in ClinVar's aggregate classification.

Literature cited by the submitters: PubMed 25644115 (cited by Labcorp Genetics (formerly Invitae), Labcorp).

NM_012203.2(GRHPR):c.755dup (p.Asp252fs)

Gene: GRHPR (glyoxylate and hydroxypyruvate reductase; plus strand). Cytogenetic location: 9p13.2.
Variant type: Duplication.
Coding change: c.755dup on transcript NM_012203.2 (MANE Select); coding-DNA position 755, one base duplicated (A; older notation c.755dupA).
Protein change: p.Asp252fs; shifts the reading frame from aspartic acid 252.
Molecular consequence: frameshift variant.
Genome position (GRCh38, 1-based): chr9:37,432,028, A duplicated. VCF-style (leftmost placement, unchanged base first): chr9-37432027-G-GA. GRCh37 (hg19) VCF-style: chr9-37432024-G-GA.
Other names: c.755dupA (NM_012203.1); short protein forms D252fs.
Identifiers: ClinVar variation 370863 (VCV000370863.9), dbSNP rs1057516823, ClinGen allele CA16041332.